The following is an entry in ClinVar:

NM_001142864.4(PIEZO1):c.2461_2481del (p.Tyr821_Leu827del)

Genes: HSALR1 (HSP90AB1 associated lncRNA 1; plus strand), PIEZO1 (piezo type mechanosensitive ion channel component 1 (Er blood group); minus strand). Cytogenetic location: 16q24.3.
Variant type: Deletion.
Coding change: c.2461_2481del on transcript NM_001142864.4 (MANE Select); coding-DNA positions 2461 to 2481, 21 bases deleted (TACACCGTCTGGGTGGCCCTG).
Protein change: p.Tyr821_Leu827del.
Molecular consequence: inframe deletion.
Genome position (GRCh38, 1-based): chr16:88,733,594-88,733,614, CAGGGCCACCCAGACGGTGTA deleted on the plus strand (TACACCGTCTGGGTGGCCCTG on the coding strand, the reverse complement: PIEZO1 is on the minus strand); deleting any 21 consecutive bases within chr16:88,733,594-88,733,624 gives the same sequence; the c. name uses the placement nearest the transcript's 3' end. VCF-style (leftmost placement, unchanged base first): chr16-88733593-TCAGGGCCACCCAGACGGTGTA-T. GRCh37 (hg19) VCF-style: chr16-88800001-TCAGGGCCACCCAGACGGTGTA-T.
Identifiers: ClinVar variation 4982116 (VCV004982116.1).

ClinVar aggregate classification (germline): Uncertain significance (1 of 4 stars; one submission).

Conditions:
PIEZO1-related disorder. Also called: PIEZO1-related condition; PIEZO1-Related Disorders.

Submission:

PreventionGenetics, part of Exact Sciences
Classification: Uncertain significance for PIEZO1-related condition. Last evaluated: 2024-12-30. Review status: criteria provided, single submitter. Criteria: ACMG Guidelines, 2015. Collection method: clinical testing. Allele origin: germline.
Comment: The PIEZO1 c.2461_2481del21 variant is predicted to result in an in-frame deletion (p.Tyr821_Leu827del). To our knowledge, this variant has not been reported in the literature or in a large population database (gnomAD), indicating this variant is rare. At this time, the clinical significance of this variant is uncertain due to the absence of conclusive functional and genetic evidence.